The following is an entry in ClinVar:

NM_004629.2(FANCG):c.1133C>A (p.Ser378Ter)

Gene: FANCG (FA complementation group G; minus strand). Cytogenetic location: 9p13.3.
Variant type: single nucleotide variant.
Coding change: c.1133C>A on transcript NM_004629.2 (MANE Select); coding-DNA position 1133, C replaced by A.
Protein change: p.Ser378Ter; replaces serine 378 with a stop codon.
Molecular consequence: nonsense.
Genome position (GRCh38, 1-based): chr9:35,075,972, G>T on the plus strand (C>A on the coding strand, the complement: FANCG is on the minus strand). VCF-style: chr9-35075972-G-T. GRCh37 (hg19) VCF-style: chr9-35075969-G-T.
Other names: short protein forms S378*.
Identifiers: ClinVar variation 3730005 (VCV003730005.4).
Genomic context (GRCh38, chr9:35,075,972, plus strand): 5'-GGACACCAACCCGTCTACCCCATTGCAGAGAAGCTTGAAGACACACCCACCCTTGGCTCC[G>T]AGCTATCCAGCAACAGGGCCAGCAGGTCCAAGTAATGCTCTGCAGCGTCTCCTGCCCTGA-3'

ClinVar aggregate classification (germline): Pathogenic/Likely pathogenic. Review status: criteria provided, multiple submitters, no conflicts (2 of 4 stars). 3 submissions from 3 submitters: Pathogenic (2); Likely pathogenic (1). Last evaluated 2026-04-24.

Conditions:
Fanconi anemia complementation group G. Also called: FANCG-Related Fanconi Anemia; Fanconi anemia group G. Identifiers: Orphanet 84, MedGen C3469527, MONDO:0013565, OMIM 614082.
Fanconi anemia (FA). Also called: Fanconi's anemia. Identifiers: Orphanet 84, MedGen C0015625, MeSH D005199, MONDO:0019391.

gnomAD v4.1: 2 of 1,614,088 alleles (0.00012%); highest among the groups gnomAD compares: Middle Eastern, 0.016%; no homozygotes.

Submissions (3):

Women's Health and Genetics/Laboratory Corporation of America, LabCorp
Classification: Pathogenic for Fanconi anemia. Last evaluated: 2026-04-24. Review status: criteria provided, single submitter. Criteria: LabCorp Variant Classification Summary - May 2015. Collection method: clinical testing. Allele origin: germline.
Comment: Variant summary: FANCG c.1133C>A (p.Ser378X) results in a premature termination codon, predicted to cause a truncation of the encoded protein or absence of the protein due to nonsense mediated decay, which are commonly known mechanisms for disease. The variant was absent in 251262 control chromosomes. To our knowledge, no occurrence of c.1133C>A in individuals affected with FANCG-related conditions and no experimental evidence demonstrating its impact on protein function have been reported. ClinVar contains an entry for this variant (Variation ID: 3730005). Based on the evidence outlined above, the variant was classified as pathogenic.

Labcorp Genetics (formerly Invitae), Labcorp
Classification: Pathogenic for Fanconi anemia. Last evaluated: 2025-01-22. Review status: criteria provided, single submitter. Criteria: Invitae Variant Classification Sherloc (09022015). Collection method: clinical testing. Allele origin: germline.
Comment: This sequence change creates a premature translational stop signal (p.Ser378*) in the FANCG gene. It is expected to result in an absent or disrupted protein product. Loss-of-function variants in FANCG are known to be pathogenic (PMID: 12552564). This variant is not present in population databases (gnomAD no frequency). This variant has not been reported in the literature in individuals affected with FANCG-related conditions. Algorithms developed to predict the effect of sequence changes on RNA splicing suggest that this variant may disrupt the consensus splice site. For these reasons, this variant has been classified as Pathogenic.

Kariminejad - Najmabadi Pathology & Genetics Center
Classification: Likely pathogenic for Fanconi anemia complementation group G. Review status: criteria provided, single submitter. Criteria: ACMG Guidelines, 2015. Collection method: clinical testing. Allele origin: germline. Affected: no.

Literature cited by the submitters: PubMed 12552564 (cited by Labcorp Genetics (formerly Invitae), Labcorp).